The following is an entry in ClinVar:

ClinVar aggregate classification (germline): Uncertain significance. Review status: criteria provided, multiple submitters, no conflicts (2 of 4 stars). 3 submissions from 3 submitters: Uncertain significance (3). Last evaluated 2025-03-05.

Conditions:
Catecholaminergic polymorphic ventricular tachycardia 1. Also called: VENTRICULAR TACHYCARDIA, CATECHOLAMINERGIC POLYMORPHIC, 1, WITH OR WITHOUT ATRIAL DYSFUNCTION AND/OR DILATED CARDIOMYOPATHY; RYR2-Related Catecholaminergic Polymorphic Ventricular Tachycardia; VENTRICULAR TACHYCARDIA, STRESS-INDUCED POLYMORPHIC 1. Identifiers: Orphanet 3286, MedGen C1631597, MONDO:0011484, OMIM 604772.
Cardiomyopathy (CMYO). Also called: Cardiomyopathies. Identifiers: Orphanet 167848, MedGen C0878544, MONDO:0004994, HP:0001638. Inheritance: Various modes of inheritance.

Submissions (3):

GeneDx
Classification: Uncertain significance. Last evaluated: 2025-03-05. Review status: criteria provided, single submitter. Criteria: GeneDx Variant Classification Process June 2021. Collection method: clinical testing. Allele origin: germline. Affected: yes.
Comment: Not observed at significant frequency in large population cohorts (gnomAD); In silico analysis supports that this missense variant has a deleterious effect on protein structure/function; Has not been previously published as pathogenic or benign to our knowledge; Not located in one of the three hot-spot regions of the RYR2 gene, where the majority of pathogenic missense variants occur (PMID: 19926015); This variant is associated with the following publications: (PMID: 19926015)

Labcorp Genetics (formerly Invitae), Labcorp
Classification: Uncertain significance for Catecholaminergic polymorphic ventricular tachycardia 1. Last evaluated: 2025-01-30. Review status: criteria provided, single submitter. Criteria: Invitae Variant Classification Sherloc (09022015). Collection method: clinical testing. Allele origin: germline.
Comment: This sequence change replaces valine, which is neutral and non-polar, with glycine, which is neutral and non-polar, at codon 686 of the RYR2 protein (p.Val686Gly). This variant is not present in population databases (gnomAD no frequency). This variant has not been reported in the literature in individuals affected with RYR2-related conditions. ClinVar contains an entry for this variant (Variation ID: 924857). Invitae Evidence Modeling of protein sequence and biophysical properties (such as structural, functional, and spatial information, amino acid conservation, physicochemical variation, residue mobility, and thermodynamic stability) indicates that this missense variant is expected to disrupt RYR2 protein function with a positive predictive value of 80%. In summary, the available evidence is currently insufficient to determine the role of this variant in disease. Therefore, it has been classified as a Variant of Uncertain Significance.

Color Diagnostics, LLC DBA Color Health
Classification: Uncertain significance for Cardiomyopathy. Last evaluated: 2022-03-01. Review status: criteria provided, single submitter. Criteria: ACMG Guidelines, 2015. Collection method: clinical testing. Allele origin: germline.
Comment: This missense variant replaces valine with glycine at codon 686 of the RYR2 protein. Computational prediction suggests that this variant may have deleterious impact on protein structure and function (internally defined REVEL score threshold >= 0.7, PMID: 27666373). To our knowledge, functional studies have not been performed for this variant. This variant has been reported in an individual from a cohort of clinical whole-exome genetic test referrals (PMID: 28404607). This variant has not been identified in the general population by the Genome Aggregation Database (gnomAD). The available evidence is insufficient to determine the role of this variant in disease conclusively. Therefore, this variant is classified as a Variant of Uncertain Significance.

Literature cited by the submitters: PubMed 28404607 (cited by Color Diagnostics, LLC DBA Color Health).

NM_001035.3(RYR2):c.2057T>G (p.Val686Gly)

Gene: RYR2 (ryanodine receptor 2; plus strand). Cytogenetic location: 1q43.
Variant type: single nucleotide variant.
Coding change: c.2057T>G on transcript NM_001035.3 (MANE Select); coding-DNA position 2057, T replaced by G.
Protein change: p.Val686Gly; replaces valine 686 with glycine.
Molecular consequence: missense variant.
Genome position (GRCh38, 1-based): chr1:237,496,606, T>G. VCF-style: chr1-237496606-T-G. GRCh37 (hg19) VCF-style: chr1-237659906-T-G.
Other names: c.2057T>G (NM_001035.2); short protein forms V686G.
Identifiers: ClinVar variation 924857 (VCV000924857.9), dbSNP rs1664102967, ClinGen allele CA345391597.